The following is an entry in ClinVar:

ClinVar aggregate classification (germline): Uncertain significance (1 of 4 stars; one submission).

gnomAD v4.1: 89 of 1,531,924 alleles (0.0058%); highest among the groups gnomAD compares: Non-Finnish European, 0.0069%; no homozygotes.

Submission:

Labcorp Genetics (formerly Invitae), Labcorp
Classification: Uncertain significance. Last evaluated: 2026-01-14. Review status: criteria provided, single submitter. Criteria: Invitae Variant Classification Sherloc (09022015). Collection method: clinical testing. Allele origin: germline.
Comment: This sequence change affects codon 1364 of the WHSC1 mRNA. It is a 'silent' change, meaning that it does not change the encoded amino acid sequence of the WHSC1 protein. This variant is present in population databases (rs745914267, gnomAD 0.01%). This variant has not been reported in the literature in individuals affected with WHSC1-related conditions. Algorithms developed to predict the effect of sequence changes on RNA splicing suggest that this variant may create or strengthen a splice site. In summary, the available evidence is currently insufficient to determine the role of this variant in disease. Therefore, it has been classified as a Variant of Uncertain Significance.

NM_001042424.3(NSD2):c.4092C>T (p.Gly1364=)

Gene: NSD2 (nuclear receptor binding SET domain protein 2; plus strand). Cytogenetic location: 4p16.3.
Variant type: single nucleotide variant.
Coding change: c.4092C>T on transcript NM_001042424.3 (MANE Select); coding-DNA position 4092, C replaced by T.
Protein change: p.Gly1364=; no amino-acid change (glycine 1364 retained).
Molecular consequence: synonymous variant.
Genome position (GRCh38, 1-based): chr4:1,978,903, C>T. VCF-style: chr4-1978903-C-T. GRCh37 (hg19) VCF-style: chr4-1980630-C-T.
Other names: c.4092C>T, p.Gly1364= (NM_001440892.1, NM_133330.3, NM_133331.3 and 1 more transcripts); c.4191C>T, p.Gly1397= (NM_001440893.1); c.3975C>T, p.Gly1325= (NM_001440894.1); c.3945C>T, p.Gly1315= (NM_001440895.1); c.3891C>T, p.Gly1297= (NM_001440896.1); c.3885C>T, p.Gly1295= (NM_001440897.1); c.3768C>T, p.Gly1256= (NM_001440898.1); c.3123C>T, p.Gly1041= (NM_001440899.1, NM_001440900.1).
Identifiers: ClinVar variation 4693606 (VCV004693606.1).
Genomic context (GRCh38, chr4:1,978,903, plus strand): 5'-GCCAGGGAAGCCGAAGGGGAAGAGGCGGCGGCGGAGGGGCTGGCGGAGAGTCACAGAGGG[C>T]AAATAGCGCCAGGCGGCCGCTTGGCCGGATCCAGGGGCGGTGCAGGGCGGCCGGCCCTGC-3'
Protein context (NP_001035889.1, residues 1354-1365): RRRGWRRVTE[Gly1364=]K